The following is an entry in ClinVar:

NM_001267550.2(TTN):c.85406C>G (p.Ser28469Cys)

Genes: TTN-AS1 (TTN antisense RNA 1; plus strand), TTN (titin; minus strand). Cytogenetic location: 2q31.2.
Variant type: single nucleotide variant.
Coding change: c.85406C>G on transcript NM_001267550.2 (MANE Select); coding-DNA position 85406, C replaced by G.
Protein change: p.Ser28469Cys; replaces serine 28469 with cysteine.
Molecular consequence: missense variant.
Genome position (GRCh38, 1-based): chr2:178,560,726, G>C on the plus strand (C>G on the coding strand, the complement: TTN is on the minus strand). VCF-style: chr2-178560726-G-C. GRCh37 (hg19) VCF-style: chr2-179425453-G-C.
Other names: p.S25901C:TCT>TGT; c.80483C>G, p.Ser26828Cys (NM_001256850.1); c.77702C>G, p.Ser25901Cys (NM_133378.4); c.58211C>G, p.Ser19404Cys (NM_003319.4); c.58586C>G, p.Ser19529Cys (NM_133432.3); c.58787C>G, p.Ser19596Cys (NM_133437.4); c.85406C>G (NM_001267550.1); short protein forms S28469C, S25901C, S26828C, S19529C, S19596C, S19404C.
Identifiers: ClinVar variation 47446 (VCV000047446.62), dbSNP rs202040332, ClinGen allele CA141026.
Genomic context (GRCh38, chr2:178,560,726, plus strand): 5'-TCTACGATGTAATAGTCGATATCTGCACCACCATCTTCTTGGGGACGTCCCCAGGAAAGA[G>C]AGCATTTCTCAGCAGTGAGGCCATTTATTTCAAGTGGTCCTGCTGGTGGACCAGGCTTAT-3'
Protein context (NP_001254479.2, residues 28459-28479): EINGLTAEKC[Ser28469Cys]LSWGRPQEDG

ClinVar aggregate classification (germline): Conflicting classifications of pathogenicity. Review status: criteria provided, conflicting classifications (1 of 4 stars). 14 submissions from 10 submitters: Uncertain significance (4); Benign (9); Likely benign (1). Last evaluated 2026-03-01.

Conditions:
Cardiovascular phenotype. Identifiers: MedGen CN230736.
Dilated cardiomyopathy 1G (CMD1G). Identifiers: Orphanet 154, MedGen C1858763, MONDO:0011400, OMIM 604145.
Autosomal recessive limb-girdle muscular dystrophy type 2J (LGMDR10). Also called: Limb-girdle muscular dystrophy, type 2J; MUSCULAR DYSTROPHY, LIMB-GIRDLE, AUTOSOMAL RECESSIVE 10. Identifiers: Orphanet 140922, MedGen C1837342, MONDO:0012127, OMIM 608807.
Cardiomyopathy (CMYO). Also called: Cardiomyopathies. Identifiers: Orphanet 167848, MedGen C0878544, MONDO:0004994, HP:0001638. Inheritance: Various modes of inheritance.
Early-onset myopathy with fatal cardiomyopathy (CMYO5). Also called: Salih Myopathy; CONGENITAL MYOPATHY 5 WITH CARDIOMYOPATHY. Identifiers: Orphanet 289377, MedGen C2673677, MONDO:0012714, OMIM 611705. Disease mechanism: loss of function.
Myopathy, myofibrillar, 9, with early respiratory failure (MFM9). Also called: Hereditary myopathy with early respiratory failure; Myopathy, distal, with early respiratory failure, autosomal dominant; EDSTROM MYOPATHY; MYOPATHY, PROXIMAL, WITH EARLY RESPIRATORY MUSCLE INVOLVEMENT. Identifiers: Orphanet 178464, Orphanet 34521, MedGen C1863599, MONDO:0011362, OMIM 603689.
Tibial muscular dystrophy (TMD). Also called: Udd Distal Myopathy – Tibial Muscular Dystrophy; Tibial muscular dystrophy, tardive; UDD MYOPATHY. Identifiers: Orphanet 609, MedGen C1838244, MONDO:0010870, OMIM 600334.

Allele frequency attached by ClinVar (database versions not stated): ESP Exome Variant Server 0.00008; TOPMed 0.00049; 1000 Genomes Project 30x 0.00078; gnomAD exomes 0.00081 and 0.00215; 1000 Genomes Project 0.00100; gnomAD 0.00144 and 0.00147; ExAC 0.00167.
gnomAD v4.1: 1,415 of 1,613,708 alleles (0.088%); highest among the groups gnomAD compares: East Asian, 0.28%; 8 homozygotes.

Submissions (14):

CeGaT Center for Human Genetics Tuebingen
Classification: Benign. Last evaluated: 2026-03-01. Review status: criteria provided, single submitter. Criteria: CeGaT Center For Human Genetics Tuebingen Variant Classification Criteria Version 2. Collection method: clinical testing. Allele origin: germline. Affected: yes. Observed: 5 variant alleles.
Comment: TTN: BP4, BS1, BS2

Labcorp Genetics (formerly Invitae), Labcorp
Classification: Benign for Dilated cardiomyopathy 1G; Autosomal recessive limb-girdle muscular dystrophy type 2J. Last evaluated: 2026-01-28. Review status: criteria provided, single submitter. Criteria: Invitae Variant Classification Sherloc (09022015). Collection method: clinical testing. Allele origin: germline.

Blueprint Genetics
Classification: Likely benign. Last evaluated: 2024-11-21. Review status: criteria provided, single submitter. Criteria: ACMG Guidelines, 2015. Collection method: clinical testing. Allele origin: germline.

Athena Diagnostics
Classification: Benign. Last evaluated: 2024-03-20. Review status: criteria provided, single submitter. Criteria: Athena Diagnostics Criteria. Collection method: clinical testing. Allele origin: unknown.

CHEO Genetics Diagnostic Laboratory, Children's Hospital of Eastern Ontario
Classification: Benign for Cardiomyopathy. Last evaluated: 2021-07-15. Review status: criteria provided, single submitter. Criteria: ACMG Guidelines, 2015. Collection method: clinical testing. Allele origin: germline. Study: Canadian Open Genetics Repository.

Ambry Genetics
Classification: Benign for Cardiovascular phenotype. Last evaluated: 2018-09-24. Review status: criteria provided, single submitter. Criteria: Ambry Variant Classification Scheme 2023. Collection method: clinical testing. Allele origin: germline.

Illumina Laboratory Services, Illumina
Classification: Benign for Tibial muscular dystrophy. Last evaluated: 2018-01-12. Review status: criteria provided, single submitter. Criteria: ICSL Variant Classification Criteria 13 December 2019. Collection method: clinical testing. Allele origin: germline.
Comment: This variant was observed in the ICSL laboratory as part of a predisposition screen in an ostensibly healthy population. It had not been previously curated by ICSL or reported in the Human Gene Mutation Database (HGMD: prior to June 1st, 2018), and was therefore a candidate for classification through an automated scoring system. Utilizing variant allele frequency, disease prevalence and penetrance estimates, and inheritance mode, an automated score was calculated to assess if this variant is too frequent to cause the disease. Based on the score and internal cut-off values, a variant classified as benign is not then subjected to further curation. The score for this variant resulted in a classification of benign for this disease.

Illumina Laboratory Services, Illumina
Classification: Benign for Myopathy, myofibrillar, 9, with early respiratory failure. Last evaluated: 2018-01-12. Review status: criteria provided, single submitter. Criteria: ICSL Variant Classification Criteria 13 December 2019. Collection method: clinical testing. Allele origin: germline.
Comment: the same text as in the submission from Illumina Laboratory Services, Illumina above.

Illumina Laboratory Services, Illumina
Classification: Uncertain significance for Dilated cardiomyopathy 1G. Last evaluated: 2018-01-12. Review status: criteria provided, single submitter. Criteria: ICSL Variant Classification Criteria 13 December 2019. Collection method: clinical testing. Allele origin: germline.

Illumina Laboratory Services, Illumina
Classification: Uncertain significance for Early-onset myopathy with fatal cardiomyopathy. Last evaluated: 2018-01-12. Review status: criteria provided, single submitter. Criteria: ICSL Variant Classification Criteria 13 December 2019. Collection method: clinical testing. Allele origin: germline.

Illumina Laboratory Services, Illumina
Classification: Uncertain significance for Autosomal recessive limb-girdle muscular dystrophy type 2J. Last evaluated: 2018-01-12. Review status: criteria provided, single submitter. Criteria: ICSL Variant Classification Criteria 13 December 2019. Collection method: clinical testing. Allele origin: germline.

GeneDx
Classification: Benign. Last evaluated: 2016-12-07. Review status: criteria provided, single submitter. Criteria: GeneDx Variant Classification (06012015). Collection method: clinical testing. Allele origin: germline. Affected: yes.
Comment: This variant is considered likely benign or benign based on one or more of the following criteria: it is a conservative change, it occurs at a poorly conserved position in the protein, it is predicted to be benign by multiple in silico algorithms, and/or has population frequency not consistent with disease.

Eurofins Ntd Llc (ga)
Classification: Benign. Last evaluated: 2015-08-05. Review status: criteria provided, single submitter. Criteria: EGL Classification Definitions 2015. Collection method: clinical testing. Allele origin: germline. Observed: 1 variant allele, 1 heterozygote.

Laboratory for Molecular Medicine, Mass General Brigham Personalized Medicine
Classification: Uncertain significance. Last evaluated: 2013-02-11. Review status: criteria provided, single submitter. Criteria: LMM Criteria. Collection method: clinical testing. Allele origin: germline. Observed: 1 variant allele.
Comment: The Ser25901Cys variant in TTN has not been reported in the literature nor previ ously identified by our laboratory. This variant has been seen in 1/8300 Europea n American chromosomes in a broad population by the NHLBI Exome Sequencing Proje ct (dbSNP rs202040332). Computational analyses (biochemical amino acid properties, conservation, AlignGVGD, PolyPhen2, and SIF T) do not provide strong support for or against an impact to the protein. In sum mary, additional information is needed to fully assess the variant's clinical si gnificance.

Literature cited by the submitters: PubMed 26516846 (cited by Athena Diagnostics); PubMed 29420653 (cited by Athena Diagnostics).